The following is an entry in ClinVar:

ClinVar aggregate classification (germline): Likely benign. Review status: criteria provided, single submitter (1 of 4 stars). 2 submissions from 2 submitters: Likely benign (1). 1 of the submissions does not count toward it. Last evaluated 2023-11-14.

Conditions:
DYSF-related disorder. Also called: DYSF-related condition; DYSF-related disorders.

Allele frequency attached by ClinVar (database versions not stated): gnomAD 0.00008; TOPMed 0.00008; ExAC 0.00011; gnomAD exomes 0.00011.
gnomAD v4.1: 163 of 1,551,478 alleles (0.011%); highest among the groups gnomAD compares: Middle Eastern, 0.017%; no homozygotes.

Submissions (2):

Blueprint Genetics
Classification: Likely benign. Last evaluated: 2023-11-14. Review status: criteria provided, single submitter. Criteria: ACMG Guidelines, 2015. Collection method: clinical testing. Allele origin: germline.

PreventionGenetics, part of Exact Sciences
Classification: Likely benign for DYSF-related condition. Last evaluated: 2019-05-16. Review status: no assertion criteria provided. Collection method: clinical testing. Allele origin: germline. Not counted in ClinVar's aggregate classification.
Comment: This variant is classified as likely benign based on ACMG/AMP sequence variant interpretation guidelines (Richards et al. 2015 PMID: 25741868, with internal and published modifications).

NM_001130987.2(DYSF):c.543G>A (p.Pro181=)

Gene: DYSF (dysferlin; plus strand). Cytogenetic location: 2p13.2.
Variant type: single nucleotide variant.
Coding change: c.543G>A on transcript NM_001130987.2 (MANE Select); coding-DNA position 543, G replaced by A.
Protein change: p.Pro181=; no amino-acid change (proline 181 retained).
Molecular consequence: synonymous variant. On other transcripts: intron variant (8).
Genome position (GRCh38, 1-based): chr2:71,513,322, G>A. VCF-style: chr2-71513322-G-A. GRCh37 (hg19) VCF-style: chr2-71740452-G-A.
Other names: c.540G>A, p.Pro180= (NM_001130979.2, NM_001130980.2, NM_001130981.2); c.543G>A, p.Pro181= (NM_001130982.2, NM_001130985.2); c.458-394G>A (NM_001130978.2, NM_003494.4, NM_001130977.2 and 1 more transcripts); c.461-394G>A (NM_001130983.2, NM_001130455.2, NM_001130984.2 and 1 more transcripts).
Identifiers: ClinVar variation 3042185 (VCV003042185.3), dbSNP rs766375112, ClinGen allele CA1705370.